The following is an entry in ClinVar:

NM_015972.4(POLR1D):c.128dup (p.Leu44fs)

Genes: POLR1D (RNA polymerase I and III subunit D; plus strand), LOC147380392 (uncharacterized LOC147380392; plus strand). Cytogenetic location: 13q12.2.
Variant type: Duplication.
Coding change: c.128dup on transcript NM_015972.4 (MANE Select); coding-DNA position 128, one base duplicated (T; older notation c.128dupT).
Protein change: p.Leu44fs; shifts the reading frame from leucine 44.
Molecular consequence: frameshift variant. On other transcripts: intron variant (2).
Genome position (GRCh38, 1-based): chr13:27,622,976, T duplicated. VCF-style (leftmost placement, unchanged base first): chr13-27622975-G-GT. GRCh37 (hg19) VCF-style: chr13-28197112-G-GT.
Other names: c.128dup, p.Leu44fs (NM_001374407.1); c.-59+1836dup (NM_001206559.2); c.26+967dup (NM_152705.3); short protein forms L44fs.
Identifiers: ClinVar variation 3032749 (VCV003032749.2), dbSNP rs2500474635, ClinGen allele CA2740097648.

ClinVar aggregate classification (germline): Likely pathogenic (0 of 4 stars; one submission).

Conditions:
POLR1D-related disorder. Also called: POLR1D-related condition.

Submission:

PreventionGenetics, part of Exact Sciences
Classification: Likely pathogenic for POLR1D-related condition. Last evaluated: 2023-12-20. Review status: no assertion criteria provided. Collection method: clinical testing. Allele origin: germline.
Comment: The POLR1D c.128dupT variant is predicted to result in a frameshift and premature protein termination (p.Leu44Ilefs*38). To our knowledge, this variant has not been reported in the literature or in a large population database, indicating this variant is rare. Loss-of-function variants upstream and downstream of this variant have been reported in patients with autosomal dominant Treacher Collins syndrome (see Dauwerse et al. 2010. PubMed ID: 21131976). Frameshift variants in POLR1D gene are expected to be pathogenic. This variant is interpreted as likely pathogenic.